The following is an entry in ClinVar:

NM_017950.4(CCDC40):c.677-4C>G

Gene: CCDC40 (coiled-coil domain 40 molecular ruler complex subunit; plus strand). Cytogenetic location: 17q25.3.
Variant type: single nucleotide variant.
Coding change: c.677-4C>G on transcript NM_017950.4 (MANE Select); 4 bases into the intron before coding-DNA position 677, C replaced by G.
Molecular consequence: intron variant.
Genome position (GRCh38, 1-based): chr17:80,048,579, C>G. VCF-style: chr17-80048579-C-G. GRCh37 (hg19) VCF-style: chr17-78022378-C-G.
Other names: p.?; c.677-4C>G (NM_001243342.2, NM_001330508.2).
Identifiers: ClinVar variation 162846 (VCV000162846.28), dbSNP rs2289530, ClinGen allele CA175427.

ClinVar aggregate classification (germline): Benign. Review status: criteria provided, multiple submitters, no conflicts (2 of 4 stars). 11 submissions from 11 submitters: Benign (9). 2 of the submissions do not count toward it. Last evaluated 2026-02-04.

Conditions:
Primary ciliary dyskinesia 15. Also called: CILIARY DYSKINESIA, PRIMARY, 15, WITH OR WITHOUT SITUS INVERSUS. Identifiers: Orphanet 244, MedGen C3151137, MONDO:0013435, OMIM 613808.
Primary ciliary dyskinesia. Also called: Ciliary dyskinesia. Identifiers: Orphanet 244, MedGen C0008780, MONDO:0016575, HP:0012265.

Allele frequency attached by ClinVar (database versions not stated): ESP Exome Variant Server 0.17516; gnomAD 0.19337; TOPMed 0.19388; 1000 Genomes Project 30x 0.20643.
gnomAD v4.1: 382,464 of 1,611,000 alleles (24%); highest among the groups gnomAD compares: East Asian, 33%; 47,727 homozygotes.

Submissions (11):

Labcorp Genetics (formerly Invitae), Labcorp
Classification: Benign for Primary ciliary dyskinesia. Last evaluated: 2026-02-04. Review status: criteria provided, single submitter. Criteria: Invitae Variant Classification Sherloc (09022015). Collection method: clinical testing. Allele origin: germline.

Blueprint Genetics
Classification: Benign. Last evaluated: 2024-11-27. Review status: criteria provided, single submitter. Criteria: ACMG Guidelines, 2015. Collection method: clinical testing. Allele origin: germline.

Mayo Clinic Laboratories, Mayo Clinic
Classification: Benign. Last evaluated: 2022-04-26. Review status: criteria provided, single submitter. Criteria: ACMG Guidelines, 2015. Collection method: clinical testing. Allele origin: germline. Observed: 91 variant alleles.

GeneDx
Classification: Benign. Last evaluated: 2018-07-05. Review status: criteria provided, single submitter. Criteria: GeneDx Variant Classification Process June 2021. Collection method: clinical testing. Allele origin: germline. Affected: yes.

Illumina Laboratory Services, Illumina
Classification: Benign for Primary ciliary dyskinesia 15. Last evaluated: 2018-01-13. Review status: criteria provided, single submitter. Criteria: ICSL Variant Classification Criteria 13 December 2019. Collection method: clinical testing. Allele origin: germline.
Comment: This variant was observed in the ICSL laboratory as part of a predisposition screen in an ostensibly healthy population. It had not been previously curated by ICSL or reported in the Human Gene Mutation Database (HGMD: prior to June 1st, 2018), and was therefore a candidate for classification through an automated scoring system. Utilizing variant allele frequency, disease prevalence and penetrance estimates, and inheritance mode, an automated score was calculated to assess if this variant is too frequent to cause the disease. Based on the score and internal cut-off values, a variant classified as benign is not then subjected to further curation. The score for this variant resulted in a classification of benign for this disease.

Ambry Genetics
Classification: Benign for Primary ciliary dyskinesia. Last evaluated: 2016-07-08. Review status: criteria provided, single submitter. Criteria: Ambry Variant Classification Scheme 2023. Collection method: clinical testing. Allele origin: germline.

Laboratory for Molecular Medicine, Mass General Brigham Personalized Medicine
Classification: Benign. Last evaluated: 2013-02-21. Review status: criteria provided, single submitter. Criteria: LMM Criteria. Collection method: clinical testing. Allele origin: germline. Observed: 52 variant alleles.
Comment: 677-4C>G in intron 4 of CCDC40: This variant is not expected to have clinical si gnificance because it is not located within the conserved splice consensus seque nce. It has been identified in 23.3% (1932/8296) of European American chromosome s from a broad population by the NHLBI Exome Sequencing Project (dbSNP rs2289530).

Breakthrough Genomics
Classification: Benign. Review status: criteria provided, single submitter. Criteria: ACMG Guidelines, 2015. Collection method: not provided. Allele origin: germline. Inheritance: Autosomal recessive inheritance. Affected: yes.

PreventionGenetics, part of Exact Sciences
Classification: Benign. Review status: criteria provided, single submitter. Criteria: ACMG Guidelines, 2015. Collection method: clinical testing. Allele origin: germline.

Clinical Genetics DNA and cytogenetics Diagnostics Lab, Erasmus MC, Erasmus Medical Center
Classification: Benign. Review status: no assertion criteria provided. Collection method: clinical testing. Allele origin: germline. Affected: yes. Study: VKGL Data-share Consensus. Not counted in ClinVar's aggregate classification.

Diagnostic Laboratory, Department of Genetics, University Medical Center Groningen
Classification: Benign for Primary ciliary dyskinesia 15. Review status: no assertion criteria provided. Collection method: clinical testing. Allele origin: germline. Affected: yes. Study: VKGL Data-share Consensus. Not counted in ClinVar's aggregate classification.